The following is an entry in ClinVar:

ClinVar aggregate classification (germline): Uncertain significance (1 of 4 stars; one submission).

Allele frequency attached by ClinVar (database versions not stated): TOPMed 0.00001.

Submission:

Labcorp Genetics (formerly Invitae), Labcorp
Classification: Uncertain significance. Last evaluated: 2021-03-21. Review status: criteria provided, single submitter. Criteria: Invitae Variant Classification Sherloc (09022015). Collection method: clinical testing. Allele origin: germline.
Comment: In summary, the available evidence is currently insufficient to determine the role of this variant in disease. Therefore, it has been classified as a Variant of Uncertain Significance. Algorithms developed to predict the effect of missense changes on protein structure and function are either unavailable or do not agree on the potential impact of this missense change (SIFT: "Deleterious"; PolyPhen-2: "Probably Damaging"; Align-GVGD: "Class C0"). This variant has not been reported in the literature in individuals with KMT2C-related conditions. This variant is not present in population databases (ExAC no frequency). This sequence change replaces aspartic acid with histidine at codon 1800 of the KMT2C protein (p.Asp1800His). The aspartic acid residue is highly conserved and there is a moderate physicochemical difference between aspartic acid and histidine.

NM_170606.3(KMT2C):c.5398G>C (p.Asp1800His)

Gene: KMT2C (lysine methyltransferase 2C; minus strand). Cytogenetic location: 7q36.1.
Variant type: single nucleotide variant.
Coding change: c.5398G>C on transcript NM_170606.3 (MANE Select); coding-DNA position 5398, G replaced by C.
Protein change: p.Asp1800His; replaces aspartic acid 1800 with histidine.
Molecular consequence: missense variant.
Genome position (GRCh38, 1-based): chr7:152,182,462, C>G on the plus strand (G>C on the coding strand, the complement: KMT2C is on the minus strand). VCF-style: chr7-152182462-C-G. GRCh37 (hg19) VCF-style: chr7-151879547-C-G.
Other names: short protein forms D1800H.
Identifiers: ClinVar variation 1478762 (VCV001478762.8), dbSNP rs2093465133, ClinGen allele CA370098969.